The following is an entry in ClinVar:

ClinVar aggregate classification (germline): Conflicting classifications of pathogenicity. Review status: criteria provided, conflicting classifications (1 of 4 stars). 2 submissions from 2 submitters: Uncertain significance (1); Likely benign (1). Last evaluated 2024-06-17.

Conditions:
Hereditary cancer-predisposing syndrome. Also called: Neoplastic Syndromes, Hereditary; Hereditary neoplastic syndrome; Tumor predisposition; Hereditary Cancer Syndrome. Identifiers: Orphanet 140162, MedGen C0027672, MeSH D009386, MONDO:0015356.
Multiple endocrine neoplasia, type 2 (MEN2). Identifiers: Orphanet 653, MedGen C4048306, MONDO:0019003. Disease mechanism: gain of function.

Submissions (2):

Labcorp Genetics (formerly Invitae), Labcorp
Classification: Uncertain significance for Multiple endocrine neoplasia, type 2. Last evaluated: 2024-06-17. Review status: criteria provided, single submitter. Criteria: Invitae Variant Classification Sherloc (09022015). Collection method: clinical testing. Allele origin: germline.
Comment: This sequence change replaces threonine, which is neutral and polar, with alanine, which is neutral and non-polar, at codon 152 of the RET protein (p.Thr152Ala). This variant is not present in population databases (gnomAD no frequency). This variant has not been reported in the literature in individuals affected with RET-related conditions. ClinVar contains an entry for this variant (Variation ID: 2454156). Algorithms developed to predict the effect of missense changes on protein structure and function output the following: SIFT: "Not Available"; PolyPhen-2: "Benign"; Align-GVGD: "Not Available". The alanine amino acid residue is found in multiple mammalian species, which suggests that this missense change does not adversely affect protein function. In summary, the available evidence is currently insufficient to determine the role of this variant in disease. Therefore, it has been classified as a Variant of Uncertain Significance.

Ambry Genetics
Classification: Likely benign for Hereditary cancer-predisposing syndrome. Last evaluated: 2023-03-12. Review status: criteria provided, single submitter. Criteria: Ambry Variant Classification Scheme 2023. Collection method: clinical testing. Allele origin: germline.

NM_020975.6(RET):c.454A>G (p.Thr152Ala)

Gene: RET (ret proto-oncogene; plus strand). Cytogenetic location: 10q11.21.
Variant type: single nucleotide variant.
Coding change: c.454A>G on transcript NM_020975.6 (MANE Select); coding-DNA position 454, A replaced by G.
Protein change: p.Thr152Ala; replaces threonine 152 with alanine.
Molecular consequence: missense variant. On other transcripts: intron variant (22).
Genome position (GRCh38, 1-based): chr10:43,102,458, A>G. VCF-style: chr10-43102458-A-G. GRCh37 (hg19) VCF-style: chr10-43597906-A-G.
Other names: c.454A>G, p.Thr152Ala (NM_000323.2, NM_001406743.1, NM_001406744.1 and 16 more transcripts); c.338-13A>G (NM_001406764.1, NM_001406762.1, NM_001406761.1 and 4 more transcripts); c.337+1736A>G (NM_001406770.1, NM_001406766.1, NM_001406767.1 and 8 more transcripts); c.74-6573A>G (NM_001406784.1); c.74-9641A>G (NM_001406794.1, NM_001406792.1, NM_001406793.1); short protein forms T152A.
Identifiers: ClinVar variation 2454156 (VCV002454156.5), dbSNP rs1588864028, ClinGen allele CA376770865.